The following is an entry in ClinVar:

NM_000048.4(ASL):c.446+1G>C

Gene: ASL (argininosuccinate lyase; plus strand). Cytogenetic location: 7q11.21.
Variant type: single nucleotide variant.
Coding change: c.446+1G>C on transcript NM_000048.4 (MANE Select); the canonical splice donor site of the intron after coding-DNA position 446, G replaced by C.
Molecular consequence: splice donor variant.
Genome position (GRCh38, 1-based): chr7:66,083,175, G>C. VCF-style: chr7-66083175-G-C. GRCh37 (hg19) VCF-style: chr7-65548162-G-C.
Other names: c.446+1G>C (NM_001024943.2, NM_001024944.2, NM_001024946.2).
Identifiers: ClinVar variation 2128322 (VCV002128322.4), dbSNP rs142637046, ClinGen allele CA367639575.

ClinVar aggregate classification (germline): Pathogenic (1 of 4 stars; one submission).

Conditions:
Argininosuccinate lyase deficiency. Also called: ARGININOSUCCINIC ACID LYASE DEFICIENCY; ASL DEFICIENCY; Argininosuccinic aciduria. Identifiers: Orphanet 23, MedGen C0268547, MONDO:0008815, OMIM 207900, HP:0025630.

Submission:

Labcorp Genetics (formerly Invitae), Labcorp
Classification: Pathogenic for Argininosuccinate lyase deficiency. Last evaluated: 2022-04-20. Review status: criteria provided, single submitter. Criteria: Invitae Variant Classification Sherloc (09022015). Collection method: clinical testing. Allele origin: germline.
Comment: For these reasons, this variant has been classified as Pathogenic. Algorithms developed to predict the effect of sequence changes on RNA splicing suggest that this variant may disrupt the consensus splice site. Disruption of this splice site has been observed in individuals with argininosuccinate lyase deficiency (PMID: 12384776). This variant is not present in population databases (gnomAD no frequency). This sequence change affects a donor splice site in intron 6 of the ASL gene. It is expected to disrupt RNA splicing. Variants that disrupt the donor or acceptor splice site typically lead to a loss of protein function (PMID: 16199547), and loss-of-function variants in ASL are known to be pathogenic (PMID: 2263616, 24166829).

Literature cited by the submitters: PubMed 12384776; PubMed 16199547; PubMed 2263616; PubMed 24166829.